The following is an entry in ClinVar:

NM_001849.4(COL6A2):c.1123C>T (p.Pro375Ser)

Gene: COL6A2 (collagen type VI alpha 2 chain; plus strand). Cytogenetic location: 21q22.3.
Variant type: single nucleotide variant.
Coding change: c.1123C>T on transcript NM_001849.4 (MANE Select); coding-DNA position 1123, C replaced by T.
Protein change: p.Pro375Ser; replaces proline 375 with serine.
Molecular consequence: missense variant.
Genome position (GRCh38, 1-based): chr21:46,118,620, C>T. VCF-style: chr21-46118620-C-T. GRCh37 (hg19) VCF-style: chr21-47538534-C-T.
Other names: c.1123C>T, p.Pro375Ser (NM_058174.3, NM_058175.3); short protein forms P375S.
Identifiers: ClinVar variation 4616295 (VCV004616295.2).

ClinVar aggregate classification (germline): Uncertain significance. Review status: criteria provided, multiple submitters, no conflicts (2 of 4 stars). 2 submissions from 2 submitters: Uncertain significance (2). Last evaluated 2025-12-17.

Conditions:
Bethlem myopathy 1A. Also called: MYOPATHY, BENIGN CONGENITAL, WITH CONTRACTURES; Bethlem Muscular Dystrophy; Bethlem myopathy 1. Identifiers: Orphanet 610, MedGen CN029274, MONDO:0024530, OMIM 158810.
Inborn genetic diseases. Identifiers: MedGen C0950123, MeSH D030342.

gnomAD v4.1: 7 of 1,612,424 alleles (0.00043%); highest among the groups gnomAD compares: African/African-American, 0.008%; no homozygotes.

Submissions (2):

Labcorp Genetics (formerly Invitae), Labcorp
Classification: Uncertain significance for Bethlem myopathy 1A. Last evaluated: 2025-12-17. Review status: criteria provided, single submitter. Criteria: Invitae Variant Classification Sherloc (09022015). Collection method: clinical testing. Allele origin: germline.
Comment: This sequence change replaces proline, which is neutral and non-polar, with serine, which is neutral and polar, at codon 375 of the COL6A2 protein (p.Pro375Ser). This variant is present in population databases (rs143300395, gnomAD 0.007%). This variant has not been reported in the literature in individuals affected with COL6A2-related conditions. Invitae Evidence Modeling of protein sequence and biophysical properties (such as structural, functional, and spatial information, amino acid conservation, physicochemical variation, residue mobility, and thermodynamic stability) indicates that this missense variant is not expected to disrupt COL6A2 protein function with a negative predictive value of 80%. In summary, the available evidence is currently insufficient to determine the role of this variant in disease. Therefore, it has been classified as a Variant of Uncertain Significance.

Ambry Genetics
Classification: Uncertain significance for Inborn genetic diseases. Last evaluated: 2025-11-12. Review status: criteria provided, single submitter. Criteria: Ambry Variant Classification Scheme 2023. Collection method: clinical testing. Allele origin: germline.
Comment: The c.1123C>T (p.P375S) alteration is located in exon 13 (coding exon 12) of the COL6A2 gene. This alteration results from a C to T substitution at nucleotide position 1123, causing the proline (P) at amino acid position 375 to be replaced by a serine (S). Based on data from gnomAD, the T allele has an overall frequency of <0.001% (1/247464) total alleles studied. The highest observed frequency was 0.006% (1/15760) of African alleles. Based on insufficient or conflicting evidence, the clinical significance of this alteration remains unclear.